The following is an entry in ClinVar:

ClinVar aggregate classification (germline): Uncertain significance (1 of 4 stars; one submission).

Conditions:
Idiopathic generalized epilepsy. Also called: Generalised epilepsy; EIG. Identifiers: MedGen C0270850, MONDO:0005579, OMIM 600669.

Allele frequency attached by ClinVar (database versions not stated): gnomAD 0.00001; gnomAD exomes 0.00001; TOPMed 0.00001.
gnomAD v4.1: 10 of 1,477,466 alleles (0.00068%); highest among the groups gnomAD compares: East Asian, 0.0029%; no homozygotes.

Submission:

Labcorp Genetics (formerly Invitae), Labcorp
Classification: Uncertain significance for Idiopathic generalized epilepsy. Last evaluated: 2025-02-23. Review status: criteria provided, single submitter. Criteria: Invitae Variant Classification Sherloc (09022015). Collection method: clinical testing. Allele origin: germline.
Comment: This sequence change replaces alanine, which is neutral and non-polar, with valine, which is neutral and non-polar, at codon 305 of the RBFOX3 protein (p.Ala305Val). The frequency data for this variant in the population databases is considered unreliable, as metrics indicate poor data quality at this position in the gnomAD database. This variant has not been reported in the literature in individuals affected with RBFOX3-related conditions. ClinVar contains an entry for this variant (Variation ID: 460026). An algorithm developed to predict the effect of missense changes on protein structure and function (PolyPhen-2) suggests that this variant is likely to be disruptive. In summary, the available evidence is currently insufficient to determine the role of this variant in disease. Therefore, it has been classified as a Variant of Uncertain Significance.

NM_001350451.2(RBFOX3):c.1055C>T (p.Ala352Val)

Gene: RBFOX3 (RNA binding fox-1 homolog 3; minus strand). Cytogenetic location: 17q25.3.
Variant type: single nucleotide variant.
Coding change: c.1055C>T on transcript NM_001350451.2 (MANE Select); coding-DNA position 1055, C replaced by T.
Protein change: p.Ala352Val; replaces alanine 352 with valine.
Molecular consequence: missense variant.
Genome position (GRCh38, 1-based): chr17:79,094,473, G>A on the plus strand (C>T on the coding strand, the complement: RBFOX3 is on the minus strand). VCF-style: chr17-79094473-G-A. GRCh37 (hg19) VCF-style: chr17-77090555-G-A.
Other names: c.914C>T, p.Ala305Val (NM_001082575.3, NM_001350453.2, NM_001385825.1 and 16 more transcripts); c.1055C>T, p.Ala352Val (NM_001385804.1, NM_001385805.1, NM_001385807.1 and 14 more transcripts); c.1052C>T, p.Ala351Val (NM_001385806.1, NM_001385822.1, NM_001385823.1); c.962C>T, p.Ala321Val (NM_001385824.1); c.935C>T, p.Ala312Val (NM_001385827.1); c.911C>T, p.Ala304Val (NM_001385843.1, NM_001385844.1, NM_001385845.1 and 1 more transcripts); c.767C>T, p.Ala256Val (NM_001385847.1); short protein forms A305V, A352V, A256V, A304V, A312V, A321V, A351V.
Identifiers: ClinVar variation 460026 (VCV000460026.10), dbSNP rs1294363374, ClinGen allele CA401315657.
Genomic context (GRCh38, chr17:79,094,473, plus strand): 5'-GACTGGCACCCAGGGCTGGGCGGGCCTGGGCTCCTTACCATGGTTCCAATGCTGTAGGTC[G>A]CCGCGGGCCCGATGGTGTGATGGTACGGGTCGGCAGCTGCGTAGACTCTGCCGTAACTAG-3'
Protein context (NP_001337380.1, residues 342-359): DPYHHTIGPA[Ala352Val]TYSIGTM